The following is an entry in ClinVar:

NM_173630.4(RTTN):c.3077A>G (p.Asn1026Ser)

Gene: RTTN (rotatin; minus strand). Cytogenetic location: 18q22.2.
Variant type: single nucleotide variant.
Coding change: c.3077A>G on transcript NM_173630.4 (MANE Select); coding-DNA position 3077, A replaced by G.
Protein change: p.Asn1026Ser; replaces asparagine 1026 with serine.
Molecular consequence: missense variant.
Genome position (GRCh38, 1-based): chr18:70,128,424, T>C on the plus strand (A>G on the coding strand, the complement: RTTN is on the minus strand). VCF-style: chr18-70128424-T-C. GRCh37 (hg19) VCF-style: chr18-67795660-T-C.
Other names: c.3077A>G (NM_173630.3); c.341A>G, p.Asn114Ser (NM_001318520.2); short protein forms N1026S, N114S.
Identifiers: ClinVar variation 2723260 (VCV002723260.5), dbSNP rs201124800, ClinGen allele CA8995675.

ClinVar aggregate classification (germline): Uncertain significance. Review status: criteria provided, multiple submitters, no conflicts (2 of 4 stars). 3 submissions from 3 submitters: Uncertain significance (3). Last evaluated 2025-08-05.

Conditions:
Inborn genetic diseases. Identifiers: MedGen C0950123, MeSH D030342.

Allele frequency attached by ClinVar (database versions not stated): ExAC 0.00001; gnomAD exomes 0.00001; gnomAD 0.00007; TOPMed 0.00011.
gnomAD v4.1: 21 of 1,613,262 alleles (0.0013%); highest among the groups gnomAD compares: African/African-American, 0.017%; no homozygotes.

Submissions (3):

Ambry Genetics
Classification: Uncertain significance for Inborn genetic diseases. Last evaluated: 2025-08-05. Review status: criteria provided, single submitter. Criteria: Ambry Variant Classification Scheme 2023. Collection method: clinical testing. Allele origin: germline.

GeneDx
Classification: Uncertain significance. Last evaluated: 2023-05-03. Review status: criteria provided, single submitter. Criteria: GeneDx Variant Classification Process June 2021. Collection method: clinical testing. Allele origin: germline. Affected: yes.
Comment: Not observed at significant frequency in large population cohorts (gnomAD); In silico analysis supports that this missense variant does not alter protein structure/function; Has not been previously published as pathogenic or benign to our knowledge

Labcorp Genetics (formerly Invitae), Labcorp
Classification: Uncertain significance. Last evaluated: 2022-11-14. Review status: criteria provided, single submitter. Criteria: Invitae Variant Classification Sherloc (09022015). Collection method: clinical testing. Allele origin: germline.
Comment: In summary, the available evidence is currently insufficient to determine the role of this variant in disease. Therefore, it has been classified as a Variant of Uncertain Significance. Advanced modeling of protein sequence and biophysical properties (such as structural, functional, and spatial information, amino acid conservation, physicochemical variation, residue mobility, and thermodynamic stability) performed at Invitae indicates that this missense variant is expected to disrupt RTTN protein function. This variant has not been reported in the literature in individuals affected with RTTN-related conditions. This variant is present in population databases (rs201124800, gnomAD 0.01%). This sequence change replaces asparagine, which is neutral and polar, with serine, which is neutral and polar, at codon 1026 of the RTTN protein (p.Asn1026Ser).